The following is an entry in ClinVar:

ClinVar aggregate classification (germline): Uncertain significance. Review status: criteria provided, multiple submitters, no conflicts (2 of 4 stars). 3 submissions from 3 submitters: Uncertain significance (3). Last evaluated 2026-02-01.

Conditions:
Hereditary cancer-predisposing syndrome. Also called: Hereditary neoplastic syndrome; Tumor predisposition; Neoplastic Syndromes, Hereditary; Hereditary Cancer Syndrome. Identifiers: Orphanet 140162, MedGen C0027672, MeSH D009386, MONDO:0015356.
Fanconi anemia complementation group J. Also called: BRIP1-Related Fanconi Anemia. Identifiers: Orphanet 84, MedGen C1836860, MONDO:0012187, OMIM 609054.
Familial cancer of breast. Also called: hereditary breast carcinoma; BREAST CANCER, FAMILIAL; Hereditary breast cancer. Identifiers: Orphanet 227535, MedGen C0346153, MONDO:0016419, OMIM 114480. Disease mechanism: loss of function.

Submissions (3):

Labcorp Genetics (formerly Invitae), Labcorp
Classification: Uncertain significance for Familial cancer of breast; Fanconi anemia complementation group J. Last evaluated: 2026-02-01. Review status: criteria provided, single submitter. Criteria: Invitae Variant Classification Sherloc (09022015). Collection method: clinical testing. Allele origin: germline.
Comment: This sequence change replaces leucine, which is neutral and non-polar, with phenylalanine, which is neutral and non-polar, at codon 695 of the BRIP1 protein (p.Leu695Phe). This variant is not present in population databases (gnomAD no frequency). This variant has not been reported in the literature in individuals affected with BRIP1-related conditions. ClinVar contains an entry for this variant (Variation ID: 859678). Invitae Evidence Modeling of protein sequence and biophysical properties (such as structural, functional, and spatial information, amino acid conservation, physicochemical variation, residue mobility, and thermodynamic stability) indicates that this missense variant is not expected to disrupt BRIP1 protein function with a negative predictive value of 95%. In summary, the available evidence is currently insufficient to determine the role of this variant in disease. Therefore, it has been classified as a Variant of Uncertain Significance.

Ambry Genetics
Classification: Uncertain significance for Hereditary cancer-predisposing syndrome. Last evaluated: 2022-11-27. Review status: criteria provided, single submitter. Criteria: Ambry Variant Classification Scheme 2023. Collection method: clinical testing. Allele origin: germline.
Comment: The p.L695F variant (also known as c.2085G>T), located in coding exon 13 of the BRIP1 gene, results from a G to T substitution at nucleotide position 2085. The leucine at codon 695 is replaced by phenylalanine, an amino acid with highly similar properties. This amino acid position is highly conserved in available vertebrate species. In addition, the in silico prediction for this alteration is inconclusive. Since supporting evidence is limited at this time, the clinical significance of this alteration remains unclear.

Sema4
Classification: Uncertain significance for Hereditary cancer-predisposing syndrome. Last evaluated: 2021-10-11. Review status: criteria provided, single submitter. Criteria: Sema4 Curation Guidelines. Collection method: curation. Allele origin: germline.
Comment: The BRIP1 c.2085G>T (p.L695F) variant has not been reported in the literature to our knowledge. It was not observed in the large and broad cohorts of the Genome Aggregation Database. The variant has been reported in ClinVar (Variation ID: 859678). Functional studies have not been performed, and in silico predictions of the variant's effect on protein function are inconclusive. The evidence is insufficient to meet ACMG/AMP criteria for classifying the variant as benign or pathogenic. Thus, the clinical significance of this variant is currently uncertain.

NM_032043.3(BRIP1):c.2085G>T (p.Leu695Phe)

Gene: BRIP1 (BRCA1 interacting DNA helicase 1; minus strand). Cytogenetic location: 17q23.2.
Variant type: single nucleotide variant.
Coding change: c.2085G>T on transcript NM_032043.3 (MANE Select); coding-DNA position 2085, G replaced by T.
Protein change: p.Leu695Phe; replaces leucine 695 with phenylalanine.
Molecular consequence: missense variant.
Genome position (GRCh38, 1-based): chr17:61,776,413, C>A on the plus strand (G>T on the coding strand, the complement: BRIP1 is on the minus strand). VCF-style: chr17-61776413-C-A. GRCh37 (hg19) VCF-style: chr17-59853774-C-A.
Other names: short protein forms L695F.
Identifiers: ClinVar variation 859678 (VCV000859678.13), dbSNP rs1555601008, ClinGen allele CA400478007.